The following is an entry in ClinVar:

ClinVar aggregate classification (germline): Uncertain significance (1 of 4 stars; one submission).

Conditions:
Kleefstra syndrome 2 (KLEFS2). Identifiers: MedGen C4540395, MONDO:0054701, OMIM 617768.

gnomAD v4.1: 2 of 1,614,210 alleles (0.00012%); highest among the groups gnomAD compares: Non-Finnish European, 0.00017%; no homozygotes.

Submission:

Pittsburgh Clinical Genomics Laboratory, University of Pittsburgh Medical Center
Classification: Uncertain significance for Kleefstra syndrome 2. Last evaluated: 2022-12-23. Review status: criteria provided, single submitter. Criteria: ACMG Guidelines, 2015. Collection method: clinical testing. Allele origin: germline. Inheritance: Autosomal dominant inheritance. Affected: yes.
Comment: This sequence variant is a single nucleotide substitution (C>A) at coding position 13331 of the KMT2C gene that results in an alanine to aspartic acid amino acid change at residue 4444 of the KMT2C protein. This variant has not been previously reported in databases of clinically relevant variants (ClinVar) and has not been observed in individuals with KMT2C-related illness, to our knowledge. This variant is present in the gnomAD population database (1 of 250922 alleles or 0.0004%). Multiple bioinformatic tools predict that this variant would be damaging, and the Ala4444 residue is highly conserved across the vertebrate species examined. Functiol studies testing the effect of this variant on protein structure or activity have not been performed, to our knowledge. At this time, there is insufficient evidence to determine if this variant is pathogenic or benign. Therefore, we consider this to be a variant of uncertain significance. ACMG Criteria: PM2, PP3

NM_170606.3(KMT2C):c.13331C>A (p.Ala4444Asp)

Gene: KMT2C (lysine methyltransferase 2C; minus strand). Cytogenetic location: 7q36.1.
Variant type: single nucleotide variant.
Coding change: c.13331C>A on transcript NM_170606.3 (MANE Select); coding-DNA position 13331, C replaced by A.
Protein change: p.Ala4444Asp; replaces alanine 4444 with aspartic acid.
Molecular consequence: missense variant.
Genome position (GRCh38, 1-based): chr7:152,148,596, G>T on the plus strand (C>A on the coding strand, the complement: KMT2C is on the minus strand). VCF-style: chr7-152148596-G-T. GRCh37 (hg19) VCF-style: chr7-151845681-G-T.
Other names: short protein forms A4444D.
Identifiers: ClinVar variation 3376192 (VCV003376192.1).
Genomic context (GRCh38, chr7:152,148,596, plus strand): 5'-AAGACACATTTCATTTGTAGGCCTCTCCTCAGAGCTAGCTCCACATTTATTAAGGCACCA[G>T]CCTGAGTCTCATAGACCTCCGTGGACCACAGAGCGCAGTTCAAGTGGACCCACAGATCCA-3'
Protein context (NP_733751.2, residues 4434-4454): LWSTEVYETQ[Ala4444Asp]GALINVELAL